The following is an entry in ClinVar:

NM_002299.4(LCT):c.4998_5001del (p.Ser1666fs)

Gene: LCT (lactase; minus strand). Cytogenetic location: 2q21.3.
Variant type: Deletion.
Coding change: c.4998_5001del on transcript NM_002299.4 (MANE Select); coding-DNA positions 4998 to 5001, 4 bases deleted (TGAG; older notation c.4998_5001delTGAG).
Protein change: p.Ser1666fs; shifts the reading frame from serine 1666.
Molecular consequence: frameshift variant.
Genome position (GRCh38, 1-based): chr2:135,794,751-135,794,754, CTCA deleted on the plus strand (TGAG on the coding strand, the reverse complement: LCT is on the minus strand); deleting any 4 consecutive bases within chr2:135,794,751-135,794,757 gives the same sequence; the c. name uses the placement nearest the transcript's 3' end. VCF-style (leftmost placement, unchanged base first): chr2-135794750-TCTCA-T. GRCh37 (hg19) VCF-style: chr2-136552320-TCTCA-T.
Other names: short protein forms S1666fs.
Identifiers: ClinVar variation 56391 (VCV000056391.3), dbSNP rs386833836, ClinGen allele CA144321.

ClinVar aggregate classification (germline): Pathogenic/Likely pathogenic. Review status: no assertion criteria provided (0 of 4 stars). 2 submissions from 2 submitters: Pathogenic (1); Likely pathogenic (1). Last evaluated 2006-02-01.

Conditions:
Congenital lactase deficiency. Also called: ALACTASIA, CONGENITAL; DISACCHARIDE INTOLERANCE II. Identifiers: Orphanet 53690, MedGen C0268179, MONDO:0009115, OMIM 223000.

Submissions (2):

OMIM
Classification: Pathogenic for LACTASE DEFICIENCY, CONGENITAL. Last evaluated: 2006-02-01. Review status: no assertion criteria provided. Collection method: literature only. Allele origin: germline.

Juha Muilu Group; Institute for Molecular Medicine Finland (FIMM)
Classification: Likely pathogenic for Congenital lactase deficiency. Review status: no assertion criteria provided. Collection method: not provided. Allele origin: unknown.
Comment: FinDis database variant: This variant was not found or characterized by our laboratory, data were collected from public sources: see reference
ClinVar note: Converted during submission from probable-pathogenic to Likely pathogenic.

Literature cited by the submitters: PubMed 16400612 (cited by OMIM).